The following is an entry in ClinVar:

NM_152296.5(ATP1A3):c.637G>C (p.Glu213Gln)

Gene: ATP1A3 (ATPase Na+/K+ transporting subunit alpha 3; minus strand). Cytogenetic location: 19q13.2.
Variant type: single nucleotide variant.
Coding change: c.637G>C on transcript NM_152296.5 (MANE Select); coding-DNA position 637, G replaced by C.
Protein change: p.Glu213Gln; replaces glutamic acid 213 with glutamine.
Molecular consequence: missense variant.
Genome position (GRCh38, 1-based): chr19:41,985,393, C>G on the plus strand (G>C on the coding strand, the complement: ATP1A3 is on the minus strand). VCF-style: chr19-41985393-C-G. GRCh37 (hg19) VCF-style: chr19-42489545-C-G.
Other names: c.670G>C, p.Glu224Gln (NM_001256213.2); c.676G>C, p.Glu226Gln (NM_001256214.2); short protein forms E213Q, E224Q, E226Q.
Identifiers: ClinVar variation 4872220 (VCV004872220.2).
Genomic context (GRCh38, chr19:41,985,393, plus strand): 5'-TGATGTTCCGAGTCTCCAAGGGGTTGTCGTGAGTGCAGTCGGGAGAGCGAGTCTGGGGCT[C>G]GGATTCGCCAGTCAGGGAGGAGTTGTCCACCTGGGGGTAGGTGCAGCAGAGAGAGGGTTC-3'
Protein context (NP_689509.1, residues 203-223): VDNSSLTGES[Glu213Gln]PQTRSPDCTH

ClinVar aggregate classification (germline): Uncertain significance (1 of 4 stars; one submission).

Submission:

CeGaT Center for Human Genetics Tuebingen
Classification: Uncertain significance. Last evaluated: 2026-04-01. Review status: criteria provided, single submitter. Criteria: CeGaT Center For Human Genetics Tuebingen Variant Classification Criteria Version 2. Collection method: clinical testing. Allele origin: germline. Affected: yes. Observed: 1 variant allele.
Comment: ATP1A3: PM2, PP2